The following is an entry in ClinVar:

NM_199420.4(POLQ):c.6671T>G (p.Leu2224Arg)

Gene: POLQ (DNA polymerase theta; minus strand). Cytogenetic location: 3q13.33.
Variant type: single nucleotide variant.
Coding change: c.6671T>G on transcript NM_199420.4 (MANE Select); coding-DNA position 6671, T replaced by G.
Protein change: p.Leu2224Arg; replaces leucine 2224 with arginine.
Molecular consequence: missense variant.
Genome position (GRCh38, 1-based): chr3:121,472,037, A>C on the plus strand (T>G on the coding strand, the complement: POLQ is on the minus strand). VCF-style: chr3-121472037-A-C. GRCh37 (hg19) VCF-style: chr3-121190884-A-C.
Other names: short protein forms L2224R.
Identifiers: ClinVar variation 1754806 (VCV001754806.2), dbSNP rs2047887593, ClinGen allele CA354085216.

ClinVar aggregate classification (germline): Uncertain significance (1 of 4 stars; one submission).

Allele frequency attached by ClinVar (database versions not stated): gnomAD exomes below 0.00001.
gnomAD v4.1: 3 of 1,579,410 alleles (0.00019%); highest among the groups gnomAD compares: Non-Finnish European, 0.00026%; no homozygotes.

Submission:

Ambry Genetics
Classification: Uncertain significance. Last evaluated: 2024-01-11. Review status: criteria provided, single submitter. Criteria: Ambry Variant Classification Scheme 2023. Collection method: clinical testing. Allele origin: germline.
Comment: The p.L2224R variant (also known as c.6671T>G), located in coding exon 22 of the POLQ gene, results from a T to G substitution at nucleotide position 6671. The leucine at codon 2224 is replaced by arginine, an amino acid with dissimilar properties. This amino acid position is conserved. In addition, the in silico prediction for this alteration is inconclusive. Since supporting evidence is limited at this time, the clinical significance of this alteration remains unclear.